The following is an entry in ClinVar:

NM_032119.4(ADGRV1):c.8567-14A>G

Gene: ADGRV1 (adhesion G protein-coupled receptor V1; plus strand). Cytogenetic location: 5q14.3.
Variant type: single nucleotide variant.
Coding change: c.8567-14A>G on transcript NM_032119.4 (MANE Select); 14 bases into the intron before coding-DNA position 8567, A replaced by G.
Molecular consequence: intron variant.
Genome position (GRCh38, 1-based): chr5:90,706,217, A>G. VCF-style: chr5-90706217-A-G. GRCh37 (hg19) VCF-style: chr5-90002034-A-G.
Identifiers: ClinVar variation 1450653 (VCV001450653.3), dbSNP rs772613502, ClinGen allele CA2573140008.
Genomic context (GRCh38, chr5:90,706,217, plus strand): 5'-CAAAAAATTCACAAGGGGATATTATTGTAAACATTTAGATAATTATAAAACATTTTTGCA[A>G]CCTATTCAATTAGGAGCTATCAATGTCACATATACCACGGTTCCTGGAATGCTGAGTCTG-3'

ClinVar aggregate classification (germline): Uncertain significance (1 of 4 stars; one submission).

Submission:

Labcorp Genetics (formerly Invitae), Labcorp
Classification: Uncertain significance. Last evaluated: 2021-09-10. Review status: criteria provided, single submitter. Criteria: Invitae Variant Classification Sherloc (09022015). Collection method: clinical testing. Allele origin: germline.
Comment: This sequence change falls in intron 37 of the ADGRV1 gene. It does not directly change the encoded amino acid sequence of the ADGRV1 protein. This variant is not present in population databases (ExAC no frequency). This variant has been observed in individual(s) with clinical features of Usher syndrome (Invitae). In at least one individual the data is consistent with the variant being in trans (on the opposite chromosome) from a pathogenic variant. Algorithms developed to predict the effect of sequence changes on RNA splicing suggest that this variant may create or strengthen a splice site. In summary, the available evidence is currently insufficient to determine the role of this variant in disease. Therefore, it has been classified as a Variant of Uncertain Significance.